The following is an entry in ClinVar:

NM_015062.5(PPRC1):c.1239G>C (p.Gly413=)

Gene: PPRC1 (PPARG related coactivator 1; plus strand). Cytogenetic location: 10q24.32.
Variant type: single nucleotide variant.
Coding change: c.1239G>C on transcript NM_015062.5 (MANE Select); coding-DNA position 1239, G replaced by C.
Protein change: p.Gly413=; no amino-acid change (glycine 413 retained).
Molecular consequence: synonymous variant.
Genome position (GRCh38, 1-based): chr10:102,139,747, G>C. VCF-style: chr10-102139747-G-C. GRCh37 (hg19) VCF-style: chr10-103899504-G-C.
Other names: c.1239G>C, p.Gly413= (NM_001288727.2); c.879G>C, p.Gly293= (NM_001288728.2).
Identifiers: ClinVar variation 3047648 (VCV003047648.2), dbSNP rs149143895, ClinGen allele CA5660813.

ClinVar aggregate classification (germline): Likely benign (0 of 4 stars; one submission).

Conditions:
PPRC1-related disorder. Also called: PPRC1-related condition.

Allele frequency attached by ClinVar (database versions not stated): ExAC 0.00002; gnomAD 0.00004; TOPMed 0.00004; gnomAD exomes 0.00007; ESP Exome Variant Server 0.00008; 1000 Genomes Project 30x 0.00016; 1000 Genomes Project 0.00020.
gnomAD v4.1: 108 of 1,614,158 alleles (0.0067%); highest among the groups gnomAD compares: Non-Finnish European, 0.0088%; no homozygotes.

Submission:

PreventionGenetics, part of Exact Sciences
Classification: Likely benign for PPRC1-related condition. Last evaluated: 2019-03-12. Review status: no assertion criteria provided. Collection method: clinical testing. Allele origin: germline.
Comment: This variant is classified as likely benign based on ACMG/AMP sequence variant interpretation guidelines (Richards et al. 2015 PMID: 25741868, with internal and published modifications).